The following is an entry in ClinVar:

NM_001377.3(DYNC2H1):c.1879A>G (p.Ile627Val)

Gene: DYNC2H1 (dynein cytoplasmic 2 heavy chain 1; plus strand). Cytogenetic location: 11q22.3.
Variant type: single nucleotide variant.
Coding change: c.1879A>G on transcript NM_001377.3 (MANE Select); coding-DNA position 1879, A replaced by G.
Protein change: p.Ile627Val; replaces isoleucine 627 with valine.
Molecular consequence: missense variant.
Genome position (GRCh38, 1-based): chr11:103,128,931, A>G. VCF-style: chr11-103128931-A-G. GRCh37 (hg19) VCF-style: chr11-102999660-A-G.
Other names: c.1879A>G, p.Ile627Val (NM_001080463.2); short protein forms I627V.
Identifiers: ClinVar variation 2067175 (VCV002067175.3), dbSNP rs373888584, ClinGen allele CA6252904.

ClinVar aggregate classification (germline): Uncertain significance. Review status: criteria provided, multiple submitters, no conflicts (2 of 4 stars). 2 submissions from 2 submitters: Uncertain significance (2). Last evaluated 2024-10-18.

Conditions:
Jeune thoracic dystrophy. Also called: Jeune syndrome; Infantile thoracic dystrophy; Thoracic pelvic phalangeal dystrophy; Jeune's syndrome; Chondroectodermal dysplasia-like syndrome; Short-rib thoracic dysplasia. Identifiers: Orphanet 474, MedGen C0265275, MONDO:0018770.

Allele frequency attached by ClinVar (database versions not stated): TOPMed 0.00005; gnomAD 0.00007; ExAC 0.00008; ESP Exome Variant Server 0.00009; gnomAD exomes 0.00010.
gnomAD v4.1: 162 of 1,593,948 alleles (0.01%); highest among the groups gnomAD compares: Middle Eastern, 0.12%; no homozygotes.

Submissions (2):

Blueprint Genetics
Classification: Uncertain significance. Last evaluated: 2024-10-18. Review status: criteria provided, single submitter. Criteria: ACMG Guidelines, 2015. Collection method: clinical testing. Allele origin: germline.

Labcorp Genetics (formerly Invitae), Labcorp
Classification: Uncertain significance for Jeune thoracic dystrophy. Last evaluated: 2024-04-23. Review status: criteria provided, single submitter. Criteria: Invitae Variant Classification Sherloc (09022015). Collection method: clinical testing. Allele origin: germline.
Comment: This sequence change replaces isoleucine, which is neutral and non-polar, with valine, which is neutral and non-polar, at codon 627 of the DYNC2H1 protein (p.Ile627Val). This variant is present in population databases (rs373888584, gnomAD 0.008%). This variant has not been reported in the literature in individuals affected with DYNC2H1-related conditions. ClinVar contains an entry for this variant (Variation ID: 2067175). Advanced modeling of protein sequence and biophysical properties (such as structural, functional, and spatial information, amino acid conservation, physicochemical variation, residue mobility, and thermodynamic stability) performed at Invitae indicates that this missense variant is not expected to disrupt DYNC2H1 protein function with a negative predictive value of 95%. In summary, the available evidence is currently insufficient to determine the role of this variant in disease. Therefore, it has been classified as a Variant of Uncertain Significance.